The following is an entry in ClinVar:

ClinVar aggregate classification (germline): Pathogenic (0 of 4 stars; one submission).

Conditions:
Acyl-CoA dehydrogenase 9 deficiency. Also called: Acyl-CoA dehydrogenase family, member 9, deficiency of; MITOCHONDRIAL COMPLEX I DEFICIENCY, NUCLEAR TYPE 20. Identifiers: Orphanet 99901, MedGen C4747517, MONDO:0012624, OMIM 611126.

Submission:

Institut IMAGINE, Institut National de la Sante et de la Recherche Medicale
Classification: Pathogenic for cardiac hypertrophy. Last evaluated: 2015-08-25. Review status: no assertion criteria provided. Collection method: clinical testing. Allele origin: germline. Inheritance: Autosomal recessive inheritance. Affected: yes. Observed: 1 variant allele.
Comment: predicted to be deleterious using three different prediction softwares, namely SIFT, MutationTaster and Polyphen-2

NM_014049.4(ACAD9):c.[1594C>T];[359delT]

Variant type: CompoundHeterozygote.
Identifiers: ClinVar variation 424746 (VCV000424746.3).